The following is an entry in ClinVar:

ClinVar aggregate classification (germline): Conflicting classifications of pathogenicity. Review status: criteria provided, conflicting classifications (1 of 4 stars). 19 submissions from 17 submitters: Uncertain significance (3); Benign (6); Likely benign (5). 5 of the submissions do not count toward it. Last evaluated 2026-09-01.

Conditions:
Cardiovascular phenotype. Identifiers: MedGen CN230736.
Arrhythmogenic cardiomyopathy with wooly hair and keratoderma. Also called: PALMOPLANTAR KERATODERMA WITH LEFT VENTRICULAR CARDIOMYOPATHY AND WOOLLY HAIR; Carvajal syndrome; Dilated cardiomyopathy with woolly hair and keratoderma; Arrhythmogenic cardiomyopathy with woolly hair and keratoderma. Identifiers: Orphanet 65282, MedGen C1854063, MONDO:0011581, OMIM 605676.
Arrhythmogenic right ventricular dysplasia 8 (ARVD8). Also called: ARRHYTHMOGENIC RIGHT VENTRICULAR DYSPLASIA, FAMILIAL, 8; ARRHYTHMOGENIC RIGHT VENTRICULAR CARDIOMYOPATHY 8; Arrhythmogenic Right Ventricular Dysplasia/Cardiomyopathy 8. Identifiers: MedGen C1843896, MONDO:0011831, OMIM 607450.
Cardiomyopathy (CMYO). Also called: Cardiomyopathies. Identifiers: Orphanet 167848, MedGen C0878544, MONDO:0004994, HP:0001638. Inheritance: Various modes of inheritance.
Woolly hair-skin fragility syndrome (WHSF). Identifiers: Orphanet 293165, MedGen C1843292, MONDO:0957307, OMIM 620415.
Lethal acantholytic epidermolysis bullosa (EBLA). Identifiers: Orphanet 158687, MedGen C1864826, MONDO:0012323, OMIM 609638.

Allele frequency attached by ClinVar (database versions not stated): 1000 Genomes Project 0.00100; 1000 Genomes Project 30x 0.00109; ExAC 0.00124; gnomAD exomes 0.00142; gnomAD 0.00182 and 0.00185; TOPMed 0.00206; ESP Exome Variant Server 0.00208.
gnomAD v4.1: 4,579 of 1,614,098 alleles (0.28%); highest among the groups gnomAD compares: Non-Finnish European, 0.36%; 8 homozygotes.

Submissions (19):

CeGaT Center for Human Genetics Tuebingen
Classification: Likely benign. Last evaluated: 2026-09-01. Review status: criteria provided, single submitter. Criteria: CeGaT Center For Human Genetics Tuebingen Variant Classification Criteria Version 2. Collection method: clinical testing. Allele origin: germline. Affected: yes. Observed: 7 variant alleles.
Comment: DSP: BP4

Labcorp Genetics (formerly Invitae), Labcorp
Classification: Benign for Arrhythmogenic cardiomyopathy with wooly hair and keratoderma; Arrhythmogenic right ventricular dysplasia 8. Last evaluated: 2026-01-31. Review status: criteria provided, single submitter. Criteria: Invitae Variant Classification Sherloc (09022015). Collection method: clinical testing. Allele origin: germline.

Molecular Diagnostic Laboratory for Inherited Cardiovascular Disease, Montreal Heart Institute
Classification: Benign. Last evaluated: 2025-02-17. Review status: criteria provided, single submitter. Criteria: ACMG Guidelines, 2015. Collection method: clinical testing. Allele origin: germline. Affected: no.

Mayo Clinic Laboratories, Mayo Clinic
Classification: Benign. Last evaluated: 2025-01-20. Review status: criteria provided, single submitter. Criteria: ACMG Guidelines, 2015. Collection method: clinical testing. Allele origin: germline. Observed: 11 variant alleles.
Comment: BS1, BS2, BP4, BP7

Blueprint Genetics
Classification: Likely benign. Last evaluated: 2024-11-26. Review status: criteria provided, single submitter. Criteria: ACMG Guidelines, 2015. Collection method: clinical testing. Allele origin: germline.

ARUP Laboratories, Molecular Genetics and Genomics, ARUP Laboratories
Classification: Likely benign. Last evaluated: 2024-07-05. Review status: criteria provided, single submitter. Criteria: ARUP Molecular Germline Variant Investigation Process 2024. Collection method: clinical testing. Allele origin: germline.

Color Diagnostics, LLC DBA Color Health
Classification: Likely benign for Cardiomyopathy. Last evaluated: 2018-03-14. Review status: criteria provided, single submitter. Criteria: ACMG Guidelines, 2015. Collection method: clinical testing. Allele origin: germline.

Illumina Laboratory Services, Illumina
Classification: Uncertain significance for Lethal acantholytic epidermolysis bullosa. Last evaluated: 2018-01-13. Review status: criteria provided, single submitter. Criteria: ICSL Variant Classification Criteria 13 December 2019. Collection method: clinical testing. Allele origin: germline.

Illumina Laboratory Services, Illumina
Classification: Uncertain significance for Arrhythmogenic right ventricular dysplasia 8. Last evaluated: 2018-01-13. Review status: criteria provided, single submitter. Criteria: ICSL Variant Classification Criteria 13 December 2019. Collection method: clinical testing. Allele origin: germline.

Illumina Laboratory Services, Illumina
Classification: Uncertain significance for Arrhythmogenic cardiomyopathy with wooly hair and keratoderma. Last evaluated: 2018-01-13. Review status: criteria provided, single submitter. Criteria: ICSL Variant Classification Criteria 13 December 2019. Collection method: clinical testing. Allele origin: germline.

Women's Health and Genetics/Laboratory Corporation of America, LabCorp
Classification: Benign. Last evaluated: 2017-03-06. Review status: criteria provided, single submitter. Criteria: LabCorp Variant Classification Summary - May 2015. Collection method: clinical testing. Allele origin: germline.
Comment: Variant summary: The DSP c.1206G>A (p.Lys402Lys) variant involves the alteration of a conserved nucleotide, resulting in a synonymous change. One in silico tool predicts a damaging outcome for this variant. 4/5 splice prediction tools predict no significant impact on normal splicing. However, these predictions have yet to be confirmed by functional studies. This variant was found in 150/121096 control chromosomes, predominantly observed in the European (Non-Finnish) subpopulation at a frequency of 0.001953 (130/66576). This frequency is about 195 times the estimated maximal expected allele frequency of a pathogenic DSP variant (0.00001), suggesting this is likely a benign polymorphism found primarily in the populations of European (Non-Finnish) origin. In addition, multiple clinical diagnostic laboratories/reputable databases classified this variant as benign. The variant of interest has not, to our knowledge, been reported in affected individuals via publications nor evaluated for functional impact by in vivo/vitro studies. Taken together, this variant is classified as benign.

Ambry Genetics
Classification: Likely benign for Cardiovascular phenotype. Last evaluated: 2016-03-28. Review status: criteria provided, single submitter. Criteria: Ambry Variant Classification Scheme 2023. Collection method: clinical testing. Allele origin: germline.

GeneDx
Classification: Benign. Last evaluated: 2013-01-14. Review status: criteria provided, single submitter. Criteria: GeneDx Variant Classification (06012015). Collection method: clinical testing. Allele origin: germline. Affected: yes.
Comment: This variant is considered likely benign or benign based on one or more of the following criteria: it is a conservative change, it occurs at a poorly conserved position in the protein, it is predicted to be benign by multiple in silico algorithms, and/or has population frequency not consistent with disease.

Laboratory for Molecular Medicine, Mass General Brigham Personalized Medicine
Classification: Benign. Last evaluated: 2012-02-07. Review status: criteria provided, single submitter. Criteria: LMM Criteria. Collection method: clinical testing. Allele origin: germline. Observed: 12 variant alleles.
Comment: Lys402Lys in exon 10 of DSP: This variant is not expected to have clinical signi ficance because it does not alter an amino acid residue and is not located withi n the splice consensus sequence. It has been identified in 0.3% (20/7020) of Eur opean American chromosomes from a broad population by the NHLBI Exome Sequencing Project (dbSNP rs150422458).

Clinical Genetics DNA and cytogenetics Diagnostics Lab, Erasmus MC, Erasmus Medical Center
Classification: Likely benign. Review status: no assertion criteria provided. Collection method: clinical testing. Allele origin: germline. Affected: yes. Study: VKGL Data-share Consensus. Not counted in ClinVar's aggregate classification.

Clinical Genetics, Academic Medical Center
Classification: Benign. Review status: no assertion criteria provided. Collection method: clinical testing. Allele origin: germline. Affected: yes. Study: VKGL Data-share Consensus. Not counted in ClinVar's aggregate classification.

Diagnostic Laboratory, Department of Genetics, University Medical Center Groningen
Classification: Likely benign. Review status: no assertion criteria provided. Collection method: clinical testing. Allele origin: germline. Affected: yes. Study: VKGL Data-share Consensus. Not counted in ClinVar's aggregate classification.

Genome Diagnostics Laboratory, University Medical Center Utrecht
Classification: Likely benign. Review status: no assertion criteria provided. Collection method: clinical testing. Allele origin: germline. Affected: yes. Study: VKGL Data-share Consensus. Not counted in ClinVar's aggregate classification.

Joint Genome Diagnostic Labs from Nijmegen and Maastricht, Radboudumc and MUMC+
Classification: Benign. Review status: no assertion criteria provided. Collection method: clinical testing. Allele origin: germline. Affected: yes. Study: VKGL Data-share Consensus. Not counted in ClinVar's aggregate classification.

NM_004415.4(DSP):c.1206G>A (p.Lys402=)

Gene: DSP (desmoplakin; plus strand). Cytogenetic location: 6p24.3.
Variant type: single nucleotide variant.
Coding change: c.1206G>A on transcript NM_004415.4 (MANE Select); coding-DNA position 1206, G replaced by A.
Protein change: p.Lys402=; no amino-acid change (lysine 402 retained).
Molecular consequence: synonymous variant.
Genome position (GRCh38, 1-based): chr6:7,567,846, G>A. VCF-style: chr6-7567846-G-A. GRCh37 (hg19) VCF-style: chr6-7568079-G-A.
Other names: p.Lys402=; c.1206G>A, p.Lys402= (NM_001319034.2, NM_001008844.3); c.1206G>A (NM_004415.3).
Identifiers: ClinVar variation 137168 (VCV000137168.83), dbSNP rs150422458, ClinGen allele CA004810.